The following is an entry in ClinVar:

ClinVar aggregate classification (germline): Uncertain significance. Review status: criteria provided, multiple submitters, no conflicts (2 of 4 stars). 2 submissions from 2 submitters: Uncertain significance (2). Last evaluated 2020-03-25.

Conditions:
Leber congenital amaurosis 6 (LCA6). Identifiers: Orphanet 65, MedGen C1854260, MONDO:0013446, OMIM 613826.
Cone-rod dystrophy 13 (CORD13). Identifiers: Orphanet 1872, MedGen C2750720, MONDO:0011987, OMIM 608194.

Allele frequency attached by ClinVar (database versions not stated): gnomAD exomes 0.00001.
gnomAD v4.1: 4 of 1,614,024 alleles (0.00025%); highest among the groups gnomAD compares: Admixed American, 0.0067%; no homozygotes.

Submissions (2):

Blueprint Genetics
Classification: Uncertain significance. Last evaluated: 2020-03-25. Review status: criteria provided, single submitter. Criteria: ACMG Guidelines, 2015. Collection method: clinical testing. Allele origin: germline.

Labcorp Genetics (formerly Invitae), Labcorp
Classification: Uncertain significance for Leber congenital amaurosis 6; Cone-rod dystrophy 13. Last evaluated: 2019-12-27. Review status: criteria provided, single submitter. Criteria: Invitae Variant Classification Sherloc (09022015). Collection method: clinical testing. Allele origin: germline.
Comment: In summary, the available evidence is currently insufficient to determine the role of this variant in disease. Therefore, it has been classified as a Variant of Uncertain Significance. Algorithms developed to predict the effect of missense changes on protein structure and function are either unavailable or do not agree on the potential impact of this missense change (SIFT: "Deleterious"; PolyPhen-2: "Probably Damaging"; Align-GVGD: "Class C0"). This variant has not been reported in the literature in individuals with RPGRIP1-related conditions. This variant is present in population databases (rs771018578, ExAC 0.009%). This sequence change replaces threonine with asparagine at codon 836 of the RPGRIP1 protein (p.Thr836Asn). The threonine residue is highly conserved and there is a small physicochemical difference between threonine and asparagine.

NM_020366.4(RPGRIP1):c.2507C>A (p.Thr836Asn)

Gene: RPGRIP1 (RPGR interacting protein 1; plus strand). Cytogenetic location: 14q11.2.
Variant type: single nucleotide variant.
Coding change: c.2507C>A on transcript NM_020366.4 (MANE Select); coding-DNA position 2507, C replaced by A.
Protein change: p.Thr836Asn; replaces threonine 836 with asparagine.
Molecular consequence: missense variant. On other transcripts: intron variant (4).
Genome position (GRCh38, 1-based): chr14:21,325,970, C>A. VCF-style: chr14-21325970-C-A. GRCh37 (hg19) VCF-style: chr14-21794129-C-A.
Other names: c.1433C>A, p.Thr478Asn (NM_001377948.1); c.796+1245C>A (NM_001377949.1); c.689-1653C>A (NM_001377523.1, NM_001377950.1); c.191-1653C>A (NM_001377951.1); short protein forms T478N, T836N.
Identifiers: ClinVar variation 837486 (VCV000837486.8), dbSNP rs771018578, ClinGen allele CA7089281.